The following is an entry in ClinVar:

ClinVar aggregate classification (germline): Uncertain significance (1 of 4 stars; one submission).

Conditions:
Bent bone dysplasia syndrome 2 (BBDS2). Identifiers: MedGen C5774233, MONDO:0859573, OMIM 620076.
Nephrotic syndrome, IIa 26. Also called: Nephrotic syndrome, type 26. Identifiers: MedGen C5774221, MONDO:0031061, OMIM 620049.

Submission:

Juno Genomics, Hangzhou Juno Genomics, Inc
Classification: Uncertain significance for Bent bone dysplasia syndrome 2; Nephrotic syndrome, IIa 26. Review status: criteria provided, single submitter. Criteria: ACMG Guidelines, 2015. Collection method: clinical testing. Allele origin: germline.
Comment: Absent from controls (or at extremely low frequency if recessive) in Genome Aggregation Database.;Multiple lines of computational evidence support a deleterious effect on the gene or gene product.

NM_005560.6(LAMA5):c.10481T>C (p.Leu3494Pro)

Gene: LAMA5 (laminin subunit alpha 5; minus strand). Cytogenetic location: 20q13.33.
Variant type: single nucleotide variant.
Coding change: c.10481T>C on transcript NM_005560.6 (MANE Select); coding-DNA position 10481, T replaced by C.
Protein change: p.Leu3494Pro; replaces leucine 3494 with proline.
Molecular consequence: missense variant.
Genome position (GRCh38, 1-based): chr20:62,310,538, A>G on the plus strand (T>C on the coding strand, the complement: LAMA5 is on the minus strand). VCF-style: chr20-62310538-A-G. GRCh37 (hg19) VCF-style: chr20-60885594-A-G.
Other names: short protein forms L3494P.
Identifiers: ClinVar variation 5006399 (VCV005006399.2).